The following is an entry in ClinVar:

NM_001105206.3(LAMA4):c.297+72T>C

Gene: LAMA4 (laminin subunit alpha 4; minus strand). Cytogenetic location: 6q21.
Variant type: single nucleotide variant.
Coding change: c.297+72T>C on transcript NM_001105206.3 (MANE Select); 72 bases into the intron after coding-DNA position 297, T replaced by C.
Molecular consequence: intron variant.
Genome position (GRCh38, 1-based): chr6:112,216,296, A>G on the plus strand (T>C on the coding strand, the complement: LAMA4 is on the minus strand). VCF-style: chr6-112216296-A-G. GRCh37 (hg19) VCF-style: chr6-112537497-A-G.
Other names: c.297+72T>C (NM_002290.5, NM_001105207.3).
Identifiers: ClinVar variation 672702 (VCV000672702.1), dbSNP rs2068770, ClinGen allele CA12246474.
Genomic context (GRCh38, chr6:112,216,296, plus strand): 5'-TGAAGGGTGAACAAAAGCACTTGATTAGCAGTTTGCTCCTATGTGGCTCAAACATCCGAA[A>G]AATATTTTATCTTCACCCAAGATGCAAATGCCCAGTGAAGTACGTGAAGTGTTATAGGTG-3'

ClinVar aggregate classification (germline): Benign (1 of 4 stars; one submission).

Allele frequency attached by ClinVar (database versions not stated): gnomAD exomes 0.33939; gnomAD 0.43754; TOPMed 0.46130; 1000 Genomes Project 0.48942; 1000 Genomes Project 30x 0.49563.
gnomAD v4.1: 378,463 of 1,063,630 alleles (36%); highest among the groups gnomAD compares: African/African-American, 70%; 72,971 homozygotes.

Submission:

GeneDx
Classification: Benign. Last evaluated: 2018-06-14. Review status: criteria provided, single submitter. Criteria: GeneDx Variant Classification (06012015). Collection method: clinical testing. Allele origin: germline. Affected: yes.
Comment: This variant is considered likely benign or benign based on one or more of the following criteria: it is a conservative change, it occurs at a poorly conserved position in the protein, it is predicted to be benign by multiple in silico algorithms, and/or has population frequency not consistent with disease.